The following is an entry in ClinVar:

ClinVar aggregate classification (germline): Uncertain significance (1 of 4 stars; one submission).

Allele frequency attached by ClinVar (database versions not stated): ExAC 0.00001; gnomAD 0.00001; 1000 Genomes Project 30x 0.00016; 1000 Genomes Project 0.00020.
gnomAD v4.1: 2 of 1,614,088 alleles (0.00012%); highest among the groups gnomAD compares: Admixed American, 0.0017%; no homozygotes.

Submission:

GeneDx
Classification: Uncertain significance. Last evaluated: 2022-05-27. Review status: criteria provided, single submitter. Criteria: GeneDx Variant Classification Process June 2021. Collection method: clinical testing. Allele origin: germline. Affected: yes.
Comment: In silico analysis supports that this missense variant has a deleterious effect on protein structure/function; Has not been previously published as pathogenic or benign to our knowledge

NM_005219.5(DIAPH1):c.2702C>T (p.Pro901Leu)

Gene: DIAPH1 (diaphanous related formin 1; minus strand). Cytogenetic location: 5q31.3.
Variant type: single nucleotide variant.
Coding change: c.2702C>T on transcript NM_005219.5 (MANE Select); coding-DNA position 2702, C replaced by T.
Protein change: p.Pro901Leu; replaces proline 901 with leucine.
Molecular consequence: missense variant.
Genome position (GRCh38, 1-based): chr5:141,529,248, G>A on the plus strand (C>T on the coding strand, the complement: DIAPH1 is on the minus strand). VCF-style: chr5-141529248-G-A. GRCh37 (hg19) VCF-style: chr5-140908815-G-A.
Other names: c.2675C>T, p.Pro892Leu (NM_001079812.3); c.2702C>T, p.Pro901Leu (NM_001314007.2); short protein forms P892L, P901L.
Identifiers: ClinVar variation 1800892 (VCV001800892.1), dbSNP rs200114505, ClinGen allele CA3478970.